The following is an entry in ClinVar:

NM_004958.4(MTOR):c.2631C>G (p.Asn877Lys)

Gene: MTOR (mechanistic target of rapamycin kinase; minus strand). Cytogenetic location: 1p36.22.
Variant type: single nucleotide variant.
Coding change: c.2631C>G on transcript NM_004958.4 (MANE Select); coding-DNA position 2631, C replaced by G.
Protein change: p.Asn877Lys; replaces asparagine 877 with lysine.
Molecular consequence: missense variant.
Genome position (GRCh38, 1-based): chr1:11,231,318, G>C on the plus strand (C>G on the coding strand, the complement: MTOR is on the minus strand). VCF-style: chr1-11231318-G-C. GRCh37 (hg19) VCF-style: chr1-11291375-G-C.
Other names: c.2631C>G, p.Asn877Lys (NM_001386500.1); c.1383C>G, p.Asn461Lys (NM_001386501.1); short protein forms N877K, N461K.
Identifiers: ClinVar variation 1964845 (VCV001964845.5), dbSNP rs2100867927, ClinGen allele CA338382287.

ClinVar aggregate classification (germline): Uncertain significance (1 of 4 stars; one submission).

Submission:

Labcorp Genetics (formerly Invitae), Labcorp
Classification: Uncertain significance. Last evaluated: 2022-08-23. Review status: criteria provided, single submitter. Criteria: Invitae Variant Classification Sherloc (09022015). Collection method: clinical testing. Allele origin: germline.
Comment: In summary, the available evidence is currently insufficient to determine the role of this variant in disease. Therefore, it has been classified as a Variant of Uncertain Significance. Advanced modeling of protein sequence and biophysical properties (such as structural, functional, and spatial information, amino acid conservation, physicochemical variation, residue mobility, and thermodynamic stability) performed at Invitae indicates that this missense variant is not expected to disrupt MTOR protein function. This variant has not been reported in the literature in individuals affected with MTOR-related conditions. This variant is not present in population databases (gnomAD no frequency). This sequence change replaces asparagine, which is neutral and polar, with lysine, which is basic and polar, at codon 877 of the MTOR protein (p.Asn877Lys).